The following is an entry in ClinVar:

ClinVar aggregate classification (germline): Uncertain significance (1 of 4 stars; one submission).

Conditions:
Kabuki syndrome. Also called: NIIKAWA-KUROKI SYNDROME; Kabuki make-up syndrome. Identifiers: Orphanet 2322, MedGen C0796004, MONDO:0016512.

Submission:

Labcorp Genetics (formerly Invitae), Labcorp
Classification: Uncertain significance for Kabuki syndrome. Last evaluated: 2024-09-24. Review status: criteria provided, single submitter. Criteria: Invitae Variant Classification Sherloc (09022015). Collection method: clinical testing. Allele origin: germline.
Comment: This sequence change replaces phenylalanine, which is neutral and non-polar, with leucine, which is neutral and non-polar, at codon 3515 of the KMT2D protein (p.Phe3515Leu). This variant is not present in population databases (gnomAD no frequency). This variant has not been reported in the literature in individuals affected with KMT2D-related conditions. Invitae Evidence Modeling of protein sequence and biophysical properties (such as structural, functional, and spatial information, amino acid conservation, physicochemical variation, residue mobility, and thermodynamic stability) indicates that this missense variant is not expected to disrupt KMT2D protein function with a negative predictive value of 95%. In summary, the available evidence is currently insufficient to determine the role of this variant in disease. Therefore, it has been classified as a Variant of Uncertain Significance.

NM_003482.4(KMT2D):c.10545C>G (p.Phe3515Leu)

Gene: KMT2D (lysine methyltransferase 2D; minus strand). Cytogenetic location: 12q13.12.
Variant type: single nucleotide variant.
Coding change: c.10545C>G on transcript NM_003482.4 (MANE Select); coding-DNA position 10545, C replaced by G.
Protein change: p.Phe3515Leu; replaces phenylalanine 3515 with leucine.
Molecular consequence: missense variant.
Genome position (GRCh38, 1-based): chr12:49,034,262, G>C on the plus strand (C>G on the coding strand, the complement: KMT2D is on the minus strand). VCF-style: chr12-49034262-G-C. GRCh37 (hg19) VCF-style: chr12-49428045-G-C.
Other names: short protein forms F3515L.
Identifiers: ClinVar variation 3635120 (VCV003635120.2).